The following is an entry in ClinVar:

NM_003002.4(SDHD):c.329T>G (p.Val110Gly)

Gene: SDHD (succinate dehydrogenase complex subunit D; plus strand). Cytogenetic location: 11q23.1.
Variant type: single nucleotide variant.
Coding change: c.329T>G on transcript NM_003002.4 (MANE Select); coding-DNA position 329, T replaced by G.
Protein change: p.Val110Gly; replaces valine 110 with glycine.
Molecular consequence: missense variant. On other transcripts: 3 prime UTR variant (1), non-coding transcript variant (1).
Genome position (GRCh38, 1-based): chr11:112,094,819, T>G. VCF-style: chr11-112094819-T-G. GRCh37 (hg19) VCF-style: chr11-111965543-T-G.
Other names: c.184T>G, p.Leu62Val (NM_001276503.2); c.212T>G, p.Val71Gly (NM_001276504.2); c.*27T>G (NM_001276506.2); short protein forms V71G, L62V, V110G.
Identifiers: ClinVar variation 3438805 (VCV003438805.1).

ClinVar aggregate classification (germline): Uncertain significance (1 of 4 stars; one submission).

Conditions:
Hereditary cancer-predisposing syndrome. Also called: Tumor predisposition; Neoplastic Syndromes, Hereditary; Hereditary neoplastic syndrome; Hereditary Cancer Syndrome. Identifiers: Orphanet 140162, MedGen C0027672, MeSH D009386, MONDO:0015356.

Submission:

Ambry Genetics
Classification: Uncertain significance for Hereditary cancer-predisposing syndrome. Last evaluated: 2024-08-17. Review status: criteria provided, single submitter. Criteria: Ambry Variant Classification Scheme 2023. Collection method: clinical testing. Allele origin: germline.
Comment: The p.V110G variant (also known as c.329T>G), located in coding exon 4 of the SDHD gene, results from a T to G substitution at nucleotide position 329. The valine at codon 110 is replaced by glycine, an amino acid with dissimilar properties. This amino acid position is conserved. In addition, this alteration is predicted to be deleterious by in silico analysis. Based on the available evidence, the clinical significance of this variant remains unclear.